The following is an entry in ClinVar:

NM_001999.4(FBN2):c.6574G>A (p.Gly2192Arg)

Gene: FBN2 (fibrillin 2; minus strand). Cytogenetic location: 5q23.3.
Variant type: single nucleotide variant.
Coding change: c.6574G>A on transcript NM_001999.4 (MANE Select); coding-DNA position 6574, G replaced by A.
Protein change: p.Gly2192Arg; replaces glycine 2192 with arginine.
Molecular consequence: missense variant.
Genome position (GRCh38, 1-based): chr5:128,289,190, C>T on the plus strand (G>A on the coding strand, the complement: FBN2 is on the minus strand). VCF-style: chr5-128289190-C-T. GRCh37 (hg19) VCF-style: chr5-127624882-C-T.
Other names: short protein forms G2192R.
Identifiers: ClinVar variation 3665052 (VCV003665052.3).

ClinVar aggregate classification (germline): Uncertain significance. Review status: criteria provided, multiple submitters, no conflicts (2 of 4 stars). 2 submissions from 2 submitters: Uncertain significance (2). Last evaluated 2025-02-25.

Conditions:
Congenital contractural arachnodactyly (CCA). Also called: BEALS SYNDROME; Beals-Hecht syndrome; Arthrogryposis, distal, type 9. Identifiers: Orphanet 115, MedGen C0220668, MONDO:0007363, OMIM 121050.

gnomAD v4.1: 16 of 1,613,558 alleles (0.00099%); highest among the groups gnomAD compares: Admixed American, 0.005%; no homozygotes.

Submissions (2):

Labcorp Genetics (formerly Invitae), Labcorp
Classification: Uncertain significance for Congenital contractural arachnodactyly. Last evaluated: 2025-02-25. Review status: criteria provided, single submitter. Criteria: Invitae Variant Classification Sherloc (09022015). Collection method: clinical testing. Allele origin: germline.
Comment: This sequence change replaces glycine, which is neutral and non-polar, with arginine, which is basic and polar, at codon 2192 of the FBN2 protein (p.Gly2192Arg). This variant is present in population databases (rs753028396, gnomAD 0.0009%). This variant has not been reported in the literature in individuals affected with FBN2-related conditions. Invitae Evidence Modeling of protein sequence and biophysical properties (such as structural, functional, and spatial information, amino acid conservation, physicochemical variation, residue mobility, and thermodynamic stability) indicates that this missense variant is expected to disrupt FBN2 protein function with a positive predictive value of 80%. In summary, the available evidence is currently insufficient to determine the role of this variant in disease. Therefore, it has been classified as a Variant of Uncertain Significance.

Revvity Omics, Revvity
Classification: Uncertain significance. Last evaluated: 2024-11-20. Review status: criteria provided, single submitter. Criteria: ACMG Guidelines, 2015. Collection method: clinical testing. Allele origin: germline.